The following is an entry in ClinVar:

ClinVar aggregate classification (germline): Uncertain significance (1 of 4 stars; one submission).

gnomAD v4.1: 8 of 1,614,242 alleles (0.0005%); highest among the groups gnomAD compares: African/African-American, 0.0013%; no homozygotes.

Submission:

Labcorp Genetics (formerly Invitae), Labcorp
Classification: Uncertain significance. Last evaluated: 2025-05-29. Review status: criteria provided, single submitter. Criteria: Invitae Variant Classification Sherloc (09022015). Collection method: clinical testing. Allele origin: germline.
Comment: This sequence change affects codon 592 of the ARHGEF10 mRNA. It is a 'silent' change, meaning that it does not change the encoded amino acid sequence of the ARHGEF10 protein. This variant is present in population databases (rs752758435, gnomAD 0.0009%). This variant has not been reported in the literature in individuals affected with ARHGEF10-related conditions. Algorithms developed to predict the effect of sequence changes on RNA splicing suggest that this variant may create or strengthen a splice site. In summary, the available evidence is currently insufficient to determine the role of this variant in disease. Therefore, it has been classified as a Variant of Uncertain Significance.

NM_014629.4(ARHGEF10):c.1776A>G (p.Glu592=)

Gene: ARHGEF10 (Rho guanine nucleotide exchange factor 10; plus strand). Cytogenetic location: 8p23.3.
Variant type: single nucleotide variant.
Coding change: c.1776A>G on transcript NM_014629.4 (MANE Select); coding-DNA position 1776, A replaced by G.
Protein change: p.Glu592=; no amino-acid change (glutamic acid 592 retained).
Molecular consequence: synonymous variant.
Genome position (GRCh38, 1-based): chr8:1,903,406, A>G. VCF-style: chr8-1903406-A-G. GRCh37 (hg19) VCF-style: chr8-1851572-A-G.
Other names: c.1662A>G, p.Glu554= (NM_001308152.2, NM_001438094.1); c.1659A>G, p.Glu553= (NM_001438093.1, NM_001438092.1); c.1776A>G, p.Glu592= (NM_001308153.3); c.1779A>G, p.Glu593= (NM_001438091.1).
Identifiers: ClinVar variation 4760219 (VCV004760219.1).